The following is an entry in ClinVar:

ClinVar aggregate classification (germline): Uncertain significance (1 of 4 stars; one submission).

Allele frequency attached by ClinVar (database versions not stated): TOPMed 0.00003; gnomAD exomes below 0.00001; gnomAD 0.00001.
gnomAD v4.1: 6 of 1,206,762 alleles (0.0005%); highest among the groups gnomAD compares: South Asian, 0.0018%; no homozygotes.

Submission:

GeneDx
Classification: Uncertain significance. Last evaluated: 2026-08-06. Review status: criteria provided, single submitter. Criteria: GeneDx Variant Classification Process June 2021. Collection method: clinical testing. Allele origin: germline.
Comment: Not observed at significant frequency in large population cohorts (gnomAD); In silico analysis suggests that this missense variant does not alter protein structure/function; Has not been previously published as pathogenic or benign to our knowledge

NM_002024.6(FMR1):c.545A>G (p.His182Arg)

Gene: FMR1 (fragile X messenger ribonucleoprotein 1; plus strand). Cytogenetic location: Xq27.3.
Variant type: single nucleotide variant.
Coding change: c.545A>G on transcript NM_002024.6 (MANE Select); coding-DNA position 545, A replaced by G.
Protein change: p.His182Arg; replaces histidine 182 with arginine.
Molecular consequence: missense variant. On other transcripts: non-coding transcript variant (2).
Genome position (GRCh38, 1-based): chrX:147,930,159, A>G. VCF-style: chrX-147930159-A-G. GRCh37 (hg19) VCF-style: chrX-147011678-A-G.
Other names: c.545A>G, p.His182Arg (NM_001185075.2, NM_001185076.2, NM_001185081.2 and 1 more transcripts); short protein forms H182R.
Identifiers: ClinVar variation 2574375 (VCV002574375.3), dbSNP rs1217826747, ClinGen allele CA414438512.